The following is an entry in ClinVar:

NM_006059.4(LAMC3):c.2819del (p.Pro940fs)

Gene: LAMC3 (laminin subunit gamma 3; plus strand). Cytogenetic location: 9q34.12.
Variant type: Deletion.
Coding change: c.2819del on transcript NM_006059.4 (MANE Select); coding-DNA position 2819, one base deleted (C; older notation c.2819delC).
Protein change: p.Pro940fs; shifts the reading frame from proline 940.
Molecular consequence: frameshift variant.
Genome position (GRCh38, 1-based): chr9:131,068,979, C deleted; the last of 3 consecutive C bases (chr9:131,068,977-131,068,979); deleting any one gives the same sequence. VCF-style (leftmost placement, unchanged base first): chr9-131068976-GC-G. GRCh37 (hg19) VCF-style: chr9-133944363-GC-G.
Other names: short protein forms P940fs.
Identifiers: ClinVar variation 1698556 (VCV001698556.1), dbSNP rs1170064033, ClinGen allele CA860513977.

ClinVar aggregate classification (germline): Likely pathogenic (1 of 4 stars; one submission).

Conditions:
Occipital pachygyria and polymicrogyria. Identifiers: Orphanet 280640, MedGen C3279875, MONDO:0013583, OMIM 614115.

Submission:

Women's Health and Genetics/Laboratory Corporation of America, LabCorp
Classification: Likely pathogenic for Occipital pachygyria and polymicrogyria. Last evaluated: 2022-06-14. Review status: criteria provided, single submitter. Criteria: LabCorp Variant Classification Summary - May 2015. Collection method: clinical testing. Allele origin: germline.
Comment: Variant summary: LAMC3 c.2819delC (p.Pro940GlnfsX81) results in a premature termination codon, predicted to cause a truncation of the encoded protein or absence of the protein due to nonsense mediated decay, which are commonly known mechanisms for disease. Truncations downstream of this position have been associated with Autism and Generalized polymicrogyria of the cortex and epilepsy. The variant was absent in 251324 control chromosomes (gnomAD). To our knowledge, no occurrence of c.2819delC in individuals affected with Occipital Pachygyria And Polymicrogyria and no experimental evidence demonstrating its impact on protein function have been reported. No clinical diagnostic laboratories have submitted clinical-significance assessments for this variant to ClinVar after 2014. Based on the evidence outlined above, the variant was classified as likely pathogenic.